The following is an entry in ClinVar:

ClinVar aggregate classification (germline): Uncertain significance (1 of 4 stars; one submission).

Conditions:
Tuberous sclerosis 1 (TSC1). Identifiers: Orphanet 805, MedGen C1854465, MONDO:0008612, OMIM 191100.

Submission:

Labcorp Genetics (formerly Invitae), Labcorp
Classification: Uncertain significance for Tuberous sclerosis 1. Last evaluated: 2020-07-24. Review status: criteria provided, single submitter. Criteria: Invitae Variant Classification Sherloc (09022015). Collection method: clinical testing. Allele origin: germline.
Comment: This sequence change replaces asparagine with histidine at codon 716 of the TSC1 protein (p.Asn716His). The asparagine residue is highly conserved and there is a small physicochemical difference between asparagine and histidine. In summary, the available evidence is currently insufficient to determine the role of this variant in disease. Therefore, it has been classified as a Variant of Uncertain Significance. Algorithms developed to predict the effect of missense changes on protein structure and function are either unavailable or do not agree on the potential impact of this missense change (SIFT: "Deleterious"; PolyPhen-2: "Probably Damaging"; Align-GVGD: "Class C0"). This variant has not been reported in the literature in individuals with TSC1-related conditions. This variant is not present in population databases (ExAC no frequency).

NM_000368.5(TSC1):c.2146A>C (p.Asn716His)

Gene: TSC1 (TSC complex subunit 1; minus strand). Cytogenetic location: 9q34.13.
Variant type: single nucleotide variant.
Coding change: c.2146A>C on transcript NM_000368.5 (MANE Select); coding-DNA position 2146, A replaced by C.
Protein change: p.Asn716His; replaces asparagine 716 with histidine.
Molecular consequence: missense variant.
Genome position (GRCh38, 1-based): chr9:132,903,713, T>G on the plus strand (A>C on the coding strand, the complement: TSC1 is on the minus strand). VCF-style: chr9-132903713-T-G. GRCh37 (hg19) VCF-style: chr9-135779100-T-G.
Other names: c.2143A>C, p.Asn715His (NM_001162426.2); c.1993A>C, p.Asn665His (NM_001162427.2); c.1783A>C, p.Asn595His (NM_001362177.2); short protein forms N595H, N665H, N715H, N716H.
Identifiers: ClinVar variation 1051583 (VCV001051583.9), dbSNP rs2131763292, ClinGen allele CA375360893.